The following is an entry in ClinVar:

ClinVar aggregate classification (germline): Uncertain significance (1 of 4 stars; one submission).

Conditions:
FGFR2-related craniosynostosis. Identifiers: MedGen CN231480.

Allele frequency attached by ClinVar (database versions not stated): gnomAD 0.00003; TOPMed 0.00003; gnomAD exomes 0.00004.
gnomAD v4.1: 57 of 1,614,078 alleles (0.0035%); highest among the groups gnomAD compares: Non-Finnish European, 0.0047%; no homozygotes.

Submission:

Labcorp Genetics (formerly Invitae), Labcorp
Classification: Uncertain significance for FGFR2-related craniosynostosis. Last evaluated: 2025-05-05. Review status: criteria provided, single submitter. Criteria: Invitae Variant Classification Sherloc (09022015). Collection method: clinical testing. Allele origin: germline.
Comment: This sequence change replaces threonine, which is neutral and polar, with alanine, which is neutral and non-polar, at codon 394 of the FGFR2 protein (p.Thr394Ala). This variant is present in population databases (no rsID available, gnomAD 0.004%). This variant has not been reported in the literature in individuals affected with FGFR2-related conditions. ClinVar contains an entry for this variant (Variation ID: 2742071). Invitae Evidence Modeling of protein sequence and biophysical properties (such as structural, functional, and spatial information, amino acid conservation, physicochemical variation, residue mobility, and thermodynamic stability) indicates that this missense variant is not expected to disrupt FGFR2 protein function with a negative predictive value of 95%. In summary, the available evidence is currently insufficient to determine the role of this variant in disease. Therefore, it has been classified as a Variant of Uncertain Significance.

NM_000141.5(FGFR2):c.1180A>G (p.Thr394Ala)

Gene: FGFR2 (fibroblast growth factor receptor 2; minus strand). Cytogenetic location: 10q26.13.
Variant type: single nucleotide variant.
Coding change: c.1180A>G on transcript NM_000141.5 (MANE Select); coding-DNA position 1180, A replaced by G.
Protein change: p.Thr394Ala; replaces threonine 394 with alanine.
Molecular consequence: missense variant. On other transcripts: non-coding transcript variant (1), intron variant (1).
Genome position (GRCh38, 1-based): chr10:121,515,224, T>C on the plus strand (A>G on the coding strand, the complement: FGFR2 is on the minus strand). VCF-style: chr10-121515224-T-C. GRCh37 (hg19) VCF-style: chr10-123274738-T-C.
Other names: c.1183A>G, p.Thr395Ala (NM_001144913.1, NM_022970.4); c.844A>G, p.Thr282Ala (NM_001144914.1); c.913A>G, p.Thr305Ala (NM_001144915.2, NM_023029.3); c.835A>G, p.Thr279Ala (NM_001144916.2, NM_001144918.2); c.916A>G, p.Thr306Ala (NM_001144919.2); c.496A>G, p.Thr166Ala (NM_001320654.2); c.1180A>G, p.Thr394Ala (NM_001320658.2); c.939+4755A>G (NM_001144917.2); short protein forms T395A, T282A, T394A, T166A, T305A, T306A, T279A.
Identifiers: ClinVar variation 2742071 (VCV002742071.3), dbSNP rs1022488982, ClinGen allele CA214305414.